The following is an entry in ClinVar:

NM_000384.3(APOB):c.4217-5G>A

Gene: APOB (apolipoprotein B; minus strand). Cytogenetic location: 2p24.1.
Variant type: single nucleotide variant.
Coding change: c.4217-5G>A on transcript NM_000384.3 (MANE Select); 5 bases into the intron before coding-DNA position 4217, G replaced by A.
Molecular consequence: intron variant.
Genome position (GRCh38, 1-based): chr2:21,012,656, C>T on the plus strand (G>A on the coding strand, the complement: APOB is on the minus strand). VCF-style: chr2-21012656-C-T. GRCh37 (hg19) VCF-style: chr2-21235528-C-T.
Other names: c.4217-5G>A (NM_000384.2).
Identifiers: ClinVar variation 2934902 (VCV002934902.4), dbSNP rs1427667950, ClinGen allele CA764125139.
Genomic context (GRCh38, chr2:21,012,656, plus strand): 5'-CCCATCACATGATAGTGTGAACGTATTCTTGTGGTCATATGTTGTTTCTCCAGATCCTAA[C>T]ATAAAAATGAAAAGACATTGGTTAAATTAAGCAGTACATTTCCAGAGCAATCTCTATGTT-3'

ClinVar aggregate classification (germline): Conflicting classifications of pathogenicity. Review status: criteria provided, conflicting classifications (1 of 4 stars). 2 submissions from 2 submitters: Uncertain significance (1); Likely benign (1). Last evaluated 2024-08-29.

Conditions:
Cardiovascular phenotype. Identifiers: MedGen CN230736.
Familial hypobetalipoproteinemia 1. Also called: APOB-Related Familial Hypobetalipoproteinemia; Hypobetalipoproteinemia, normotriglyceridemic; Acanthocytosis with hypobetalipoproteinemia. Identifiers: MedGen C4551990, MONDO:0014252, OMIM 615558.
Hypercholesterolemia, autosomal dominant, type B (FHCL2). Also called: Familial Hypercholesterolemia Type B; APOLIPOPROTEIN B-100, FAMILIAL DEFECTIVE; APOLIPOPROTEIN B-100, FAMILIAL LIGAND-DEFECTIVE; HYPERCHOLESTEROLEMIA, FAMILIAL, DUE TO LIGAND-DEFECTIVE APOLIPOPROTEIN B; Hyperlipoproteinemia Type IIb; Familial hypercholesterolemia 2. Identifiers: MedGen C1704417, MONDO:0007751, OMIM 144010.

Allele frequency attached by ClinVar (database versions not stated): gnomAD exomes below 0.00001; TOPMed below 0.00001; gnomAD 0.00001.
gnomAD v4.1: 5 of 1,609,892 alleles (0.00031%); highest among the groups gnomAD compares: East Asian, 0.0045%; no homozygotes.

Submissions (2):

Labcorp Genetics (formerly Invitae), Labcorp
Classification: Likely benign for Familial hypobetalipoproteinemia 1; Hypercholesterolemia, autosomal dominant, type B. Last evaluated: 2024-08-29. Review status: criteria provided, single submitter. Criteria: Invitae Variant Classification Sherloc (09022015). Collection method: clinical testing. Allele origin: germline.

Ambry Genetics
Classification: Uncertain significance for Cardiovascular phenotype. Last evaluated: 2024-08-15. Review status: criteria provided, single submitter. Criteria: Ambry Variant Classification Scheme 2023. Collection method: clinical testing. Allele origin: germline.
Comment: The c.4217-5G>A intronic variant results from a G to A substitution 5 nucleotides upstream from coding exon 26 in the APOB gene. This nucleotide position is poorly conserved in available vertebrate species. In silico splice site analysis predicts that this alteration will not have any significant effect on splicing. Based on the available evidence, the clinical significance of this variant remains unclear.